The following is an entry in ClinVar:

NM_001371596.2(MFSD8):c.110G>T (p.Arg37Ile)

Gene: MFSD8 (major facilitator superfamily domain containing 8; minus strand). Cytogenetic location: 4q28.2.
Variant type: single nucleotide variant.
Coding change: c.110G>T on transcript NM_001371596.2 (MANE Select); coding-DNA position 110, G replaced by T.
Protein change: p.Arg37Ile; replaces arginine 37 with isoleucine.
Molecular consequence: missense variant. On other transcripts: 5 prime UTR variant (1).
Genome position (GRCh38, 1-based): chr4:127,957,545, C>A on the plus strand (G>T on the coding strand, the complement: MFSD8 is on the minus strand). VCF-style: chr4-127957545-C-A. GRCh37 (hg19) VCF-style: chr4-128878700-C-A.
Other names: c.110G>T, p.Arg37Ile (NM_001371592.2, NM_001371593.2, NM_001371594.2 and 5 more transcripts); c.-26G>T (NM_001371595.1, NM_001410765.1, NM_001371590.2); short protein forms R37I.
Identifiers: ClinVar variation 1463740 (VCV001463740.5), dbSNP rs915454873, ClinGen allele CA105641713.

ClinVar aggregate classification (germline): Uncertain significance (1 of 4 stars; one submission).

Conditions:
Neuronal ceroid lipofuscinosis 7 (CLN7). Also called: MFSD8-Related Neuronal Ceroid-Lipofuscinosis. Identifiers: Orphanet 168491, Orphanet 228366, MedGen C1838571, MONDO:0012588, OMIM 610951.

Allele frequency attached by ClinVar (database versions not stated): TOPMed 0.00001.

Submission:

Labcorp Genetics (formerly Invitae), Labcorp
Classification: Uncertain significance for Neuronal ceroid lipofuscinosis 7. Last evaluated: 2022-03-09. Review status: criteria provided, single submitter. Criteria: Invitae Variant Classification Sherloc (09022015). Collection method: clinical testing. Allele origin: germline.
Comment: This sequence change replaces arginine, which is basic and polar, with isoleucine, which is neutral and non-polar, at codon 37 of the MFSD8 protein (p.Arg37Ile). In summary, the available evidence is currently insufficient to determine the role of this variant in disease. Therefore, it has been classified as a Variant of Uncertain Significance. Algorithms developed to predict the effect of missense changes on protein structure and function output the following: SIFT: "Deleterious"; PolyPhen-2: "Benign"; Align-GVGD: "Class C0". The isoleucine amino acid residue is found in multiple mammalian species, which suggests that this missense change does not adversely affect protein function. This variant has not been reported in the literature in individuals affected with MFSD8-related conditions. This variant is not present in population databases (gnomAD no frequency).